The following is an entry in ClinVar:

NM_000287.4(PEX6):c.1691del (p.Cys564fs)

Gene: PEX6 (peroxisomal biogenesis factor 6; minus strand). Cytogenetic location: 6p21.1.
Variant type: Deletion.
Coding change: c.1691del on transcript NM_000287.4 (MANE Select); coding-DNA position 1691, one base deleted (G; older notation c.1691delG).
Protein change: p.Cys564fs; shifts the reading frame from cysteine 564.
Molecular consequence: frameshift variant. On other transcripts: non-coding transcript variant (1).
Genome position (GRCh38, 1-based): chr6:42,967,561, C deleted on the plus strand (G on the coding strand, the reverse complement: PEX6 is on the minus strand). VCF-style (leftmost placement, unchanged base first): chr6-42967560-GC-G. GRCh37 (hg19) VCF-style: chr6-42935298-GC-G.
Other names: p.Cys564Serfs*55; c.1427del, p.Cys476fs (NM_001316313.2); short protein forms C476fs, C564fs.
Identifiers: ClinVar variation 1071121 (VCV001071121.10), dbSNP rs2114242920, ClinGen allele CA2499218299.
Genomic context (GRCh38, chr6:42,967,560, plus strand): 5'-CTGCACATCAGCAGGCAGGTCCTGGGCCCGGCTTGTGGTGGCCACAACCATGAGGGGAGG[GC>G]AGCTGCAGACAGAGGAGTGGGCACTGAGGGTGAGAACATGGCTGGCAGCTCCTGTGGACT-3'

ClinVar aggregate classification (germline): Pathogenic/Likely pathogenic. Review status: criteria provided, multiple submitters, no conflicts (2 of 4 stars). 4 submissions from 4 submitters: Pathogenic (1); Likely pathogenic (3). Last evaluated 2025-05-20.

Conditions:
Peroxisome biogenesis disorder 4A (Zellweger) (PBD4A). Also called: Zellweger syndrome spectrum (PEX6-related). Identifiers: Orphanet 912, MedGen C3553936, MONDO:0013930, OMIM 614862. Disease mechanism: loss of function.
Peroxisome biogenesis disorder 4B (PBD4B). Also called: SPINOCEREBELLAR ATAXIA WITH BLINDNESS AND DEAFNESS 1. Identifiers: Orphanet 44, Orphanet 95433, MedGen C3553937, MONDO:0013931, OMIM 614863.
Heimler syndrome 2 (HMLR2). Also called: PEROXISOME BIOGENESIS DISORDER 4C. Identifiers: Orphanet 3220, MedGen C4225267, OMIM 616617, MONDO:0014709.
Peroxisome biogenesis disorder. Identifiers: Orphanet 79189, MedGen C1832200, MONDO:0019234. Disease mechanism: loss of function.

Submissions (4):

Mayo Clinic Laboratories, Mayo Clinic
Classification: Likely pathogenic. Last evaluated: 2025-05-20. Review status: criteria provided, single submitter. Criteria: ACMG Guidelines, 2015. Collection method: clinical testing. Allele origin: germline. Observed: 1 variant allele.
Comment: PM2_supporting, PVS1

Labcorp Genetics (formerly Invitae), Labcorp
Classification: Pathogenic for Peroxisome biogenesis disorder. Last evaluated: 2025-05-08. Review status: criteria provided, single submitter. Criteria: Invitae Variant Classification Sherloc (09022015). Collection method: clinical testing. Allele origin: germline.
Comment: This sequence change creates a premature translational stop signal (p.Cys564Serfs*55) in the PEX6 gene. It is expected to result in an absent or disrupted protein product. Loss-of-function variants in PEX6 are known to be pathogenic (PMID: 10408779, 21031596, 31831025). This variant is not present in population databases (gnomAD no frequency). This variant has not been reported in the literature in individuals affected with PEX6-related conditions. ClinVar contains an entry for this variant (Variation ID: 1071121). For these reasons, this variant has been classified as Pathogenic.

Fulgent Genetics
Classification: Likely pathogenic for Peroxisome biogenesis disorder 4A (Zellweger); Peroxisome biogenesis disorder 4B; Heimler syndrome 2. Last evaluated: 2024-03-24. Review status: criteria provided, single submitter. Criteria: ACMG Guidelines, 2015. Collection method: clinical testing. Allele origin: germline.

Baylor Genetics
Classification: Likely pathogenic for Heimler syndrome 2. Last evaluated: 2023-06-26. Review status: criteria provided, single submitter. Criteria: ACMG Guidelines, 2015. Collection method: clinical testing. Allele origin: unknown.

Literature cited by the submitters: PubMed 10408779 (cited by Labcorp Genetics (formerly Invitae), Labcorp); PubMed 21031596 (cited by Labcorp Genetics (formerly Invitae), Labcorp); PubMed 31831025 (cited by Labcorp Genetics (formerly Invitae), Labcorp).